The following is an entry in ClinVar:

ClinVar aggregate classification (germline): Uncertain significance (1 of 4 stars; one submission).

Conditions:
Cranioectodermal dysplasia 1 (CED1). Also called: LEVIN SYNDROME I. Identifiers: Orphanet 1515, MedGen C0432235, MONDO:0021093, OMIM 218330.

Submission:

Labcorp Genetics (formerly Invitae), Labcorp
Classification: Uncertain significance for Cranioectodermal dysplasia 1. Last evaluated: 2022-03-26. Review status: criteria provided, single submitter. Criteria: Invitae Variant Classification Sherloc (09022015). Collection method: clinical testing. Allele origin: germline.
Comment: This sequence change replaces serine, which is neutral and polar, with arginine, which is basic and polar, at codon 320 of the IFT122 protein (p.Ser320Arg). In summary, the available evidence is currently insufficient to determine the role of this variant in disease. Therefore, it has been classified as a Variant of Uncertain Significance. Algorithms developed to predict the effect of missense changes on protein structure and function are either unavailable or do not agree on the potential impact of this missense change (SIFT: "Deleterious"; PolyPhen-2: "Probably Damaging"; Align-GVGD: "Class C0"). This variant has not been reported in the literature in individuals affected with IFT122-related conditions. This variant is not present in population databases (gnomAD no frequency).

NM_052989.3(IFT122):c.807T>G (p.Ser269Arg)

Gene: IFT122 (intraflagellar transport 122; plus strand). Cytogenetic location: 3q21.3.
Variant type: single nucleotide variant.
Coding change: c.807T>G on transcript NM_052989.3 (MANE Select); coding-DNA position 807, T replaced by G.
Protein change: p.Ser269Arg; replaces serine 269 with arginine.
Molecular consequence: missense variant.
Genome position (GRCh38, 1-based): chr3:129,469,408, T>G. VCF-style: chr3-129469408-T-G. GRCh37 (hg19) VCF-style: chr3-129188251-T-G.
Other names: c.783T>G, p.Ser261Arg (NM_001280541.2); c.357T>G, p.Ser119Arg (NM_001280545.2); c.180T>G, p.Ser60Arg (NM_001280546.2); c.960T>G, p.Ser320Arg (NM_052985.4); c.807T>G, p.Ser269Arg (NM_001410808.1, NM_001410809.1); c.630T>G, p.Ser210Arg (NM_001410810.1, NM_001410811.1, NM_001410813.1 and 1 more transcripts); c.474T>G, p.Ser158Arg (NM_001410815.1, NM_001410817.1, NM_052990.3); short protein forms S269R, S210R, S261R, S60R, S119R, S158R, S320R.
Identifiers: ClinVar variation 2157468 (VCV002157468.4), dbSNP rs2531594767, ClinGen allele CA354470860.